The following is an entry in ClinVar:

NM_003482.4(KMT2D):c.2244G>A (p.Glu748=)

Gene: KMT2D (lysine methyltransferase 2D; minus strand). Cytogenetic location: 12q13.12.
Variant type: single nucleotide variant.
Coding change: c.2244G>A on transcript NM_003482.4 (MANE Select); coding-DNA position 2244, G replaced by A.
Protein change: p.Glu748=; no amino-acid change (glutamic acid 748 retained).
Molecular consequence: synonymous variant.
Genome position (GRCh38, 1-based): chr12:49,051,439, C>T on the plus strand (G>A on the coding strand, the complement: KMT2D is on the minus strand). VCF-style: chr12-49051439-C-T. GRCh37 (hg19) VCF-style: chr12-49445222-C-T.
Identifiers: ClinVar variation 2174988 (VCV002174988.6), dbSNP rs772953595, ClinGen allele CA6548307.
Genomic context (GRCh38, chr12:49,051,439, plus strand): 5'-TGGCTCCTCAGCCTGCGGAGATAGGTGTGGCTCCTCAGGCCGGGGGGACAGGTGCGGCTC[C>T]TCAGGCCGGGGTGACAGGTGCGGCCCCTCGGACCGGGGGCAGAGTTGCGGCTCCTCAGGT-3'
Protein context (NP_003473.3, residues 738-758): SEGPHLSPRP[Glu748=]EPHLSPRPEE

ClinVar aggregate classification (germline): Conflicting classifications of pathogenicity. Review status: criteria provided, conflicting classifications (1 of 4 stars). 3 submissions from 3 submitters: Uncertain significance (1); Likely benign (2). Last evaluated 2025-11-01.

Conditions:
Choanal atresia-athelia-hypothyroidism-delayed puberty-short stature syndrome (BCAHH). Also called: BRANCHIAL ARCH ABNORMALITIES, CHOANAL ATRESIA, ATHELIA, HEARING LOSS, AND HYPOTHYROIDISM SYNDROME. Identifiers: Orphanet 589856, MedGen C5680310, MONDO:0035651, OMIM 620186.
Kabuki syndrome 1 (KABUK1). Also called: KMT2D-Related Kabuki Syndrome. Identifiers: Orphanet 2322, MedGen CN030661, MONDO:0007843, OMIM 147920.
KMT2D-related disorder. Also called: KMT2D-Related Disorders.
Kabuki syndrome. Also called: NIIKAWA-KUROKI SYNDROME; Kabuki make-up syndrome. Identifiers: Orphanet 2322, MedGen C0796004, MONDO:0016512.

Allele frequency attached by ClinVar (database versions not stated): TOPMed below 0.00001; ExAC 0.00001; gnomAD exomes 0.00002.
gnomAD v4.1: 24 of 1,612,960 alleles (0.0015%); highest among the groups gnomAD compares: Non-Finnish European, 0.0019%; no homozygotes.

Submissions (3):

PreventionGenetics, part of Exact Sciences
Classification: Likely benign for KMT2D-related condition. Last evaluated: 2025-11-01. Review status: criteria provided, single submitter. Criteria: ACMG Guidelines, 2015. Collection method: clinical testing. Allele origin: germline.
Comment: This variant is classified as likely benign based on ACMG/AMP sequence variant interpretation guidelines (Richards et al. 2015 PMID: 25741868, with internal and published modifications).

Labcorp Genetics (formerly Invitae), Labcorp
Classification: Likely benign for Kabuki syndrome. Last evaluated: 2025-06-12. Review status: criteria provided, single submitter. Criteria: Invitae Variant Classification Sherloc (09022015). Collection method: clinical testing. Allele origin: germline.

Fulgent Genetics
Classification: Uncertain significance for Kabuki syndrome 1; Choanal atresia-athelia-hypothyroidism-delayed puberty-short stature syndrome. Last evaluated: 2024-05-18. Review status: criteria provided, single submitter. Criteria: ACMG Guidelines, 2015. Collection method: clinical testing. Allele origin: germline.